The following is an entry in ClinVar:

ClinVar aggregate classification (germline): Uncertain significance (1 of 4 stars; one submission).

Conditions:
Autosomal dominant nonsyndromic hearing loss 1. Also called: KONIGSMARK SYNDROME; DEAFNESS, AUTOSOMAL DOMINANT 1, WITH OR WITHOUT THROMBOCYTOPENIA. Identifiers: Orphanet 90635, MedGen C1852282, MONDO:0007424, OMIM 124900.
Progressive microcephaly-seizures-cortical blindness-developmental delay syndrome. Also called: Seizures, cortical blindness, and microcephaly syndrome. Identifiers: Orphanet 477814, MedGen C5567650, MONDO:0014714, OMIM 616632.

Allele frequency attached by ClinVar (database versions not stated): gnomAD exomes below 0.00001 and 0.00001; ExAC 0.00001; gnomAD 0.00001; 1000 Genomes Project 30x 0.00016; 1000 Genomes Project 0.00020.
gnomAD v4.1: 10 of 1,614,034 alleles (0.00062%); highest among the groups gnomAD compares: Admixed American, 0.0017%; no homozygotes.

Submission:

Labcorp Genetics (formerly Invitae), Labcorp
Classification: Uncertain significance for Progressive microcephaly-seizures-cortical blindness-developmental delay syndrome; Autosomal dominant nonsyndromic hearing loss 1. Last evaluated: 2024-05-27. Review status: criteria provided, single submitter. Criteria: Invitae Variant Classification Sherloc (09022015). Collection method: clinical testing. Allele origin: germline.
Comment: This sequence change replaces methionine, which is neutral and non-polar, with isoleucine, which is neutral and non-polar, at codon 898 of the DIAPH1 protein (p.Met898Ile). This variant is present in population databases (rs562824586, gnomAD 0.003%). This variant has not been reported in the literature in individuals affected with DIAPH1-related conditions. ClinVar contains an entry for this variant (Variation ID: 1354027). An algorithm developed to predict the effect of missense changes on protein structure and function (PolyPhen-2) suggests that this variant is likely to be tolerated. In summary, the available evidence is currently insufficient to determine the role of this variant in disease. Therefore, it has been classified as a Variant of Uncertain Significance.

NM_005219.5(DIAPH1):c.2694G>A (p.Met898Ile)

Gene: DIAPH1 (diaphanous related formin 1; minus strand). Cytogenetic location: 5q31.3.
Variant type: single nucleotide variant.
Coding change: c.2694G>A on transcript NM_005219.5 (MANE Select); coding-DNA position 2694, G replaced by A.
Protein change: p.Met898Ile; replaces methionine 898 with isoleucine.
Molecular consequence: missense variant.
Genome position (GRCh38, 1-based): chr5:141,529,256, C>T on the plus strand (G>A on the coding strand, the complement: DIAPH1 is on the minus strand). VCF-style: chr5-141529256-C-T. GRCh37 (hg19) VCF-style: chr5-140908823-C-T.
Other names: c.2667G>A, p.Met889Ile (NM_001079812.3); c.2694G>A, p.Met898Ile (NM_001314007.2); short protein forms M898I, M889I.
Identifiers: ClinVar variation 1354027 (VCV001354027.8), dbSNP rs562824586, ClinGen allele CA3478972.